The following is an entry in ClinVar:

ClinVar aggregate classification (germline): Uncertain significance (1 of 4 stars; one submission).

Conditions:
Catecholaminergic polymorphic ventricular tachycardia 1. Also called: RYR2-Related Catecholaminergic Polymorphic Ventricular Tachycardia; VENTRICULAR TACHYCARDIA, STRESS-INDUCED POLYMORPHIC 1; VENTRICULAR TACHYCARDIA, CATECHOLAMINERGIC POLYMORPHIC, 1, WITH OR WITHOUT ATRIAL DYSFUNCTION AND/OR DILATED CARDIOMYOPATHY. Identifiers: Orphanet 3286, MedGen C1631597, MONDO:0011484, OMIM 604772.

gnomAD v4.1: 2 of 1,610,256 alleles (0.00012%); highest among the groups gnomAD compares: Non-Finnish European, 0.000085%; no homozygotes.

Submission:

Labcorp Genetics (formerly Invitae), Labcorp
Classification: Uncertain significance for Catecholaminergic polymorphic ventricular tachycardia 1. Last evaluated: 2025-08-18. Review status: criteria provided, single submitter. Criteria: Invitae Variant Classification Sherloc (09022015). Collection method: clinical testing. Allele origin: germline.
Comment: This sequence change replaces serine, which is neutral and polar, with isoleucine, which is neutral and non-polar, at codon 437 of the RYR2 protein (p.Ser437Ile). This variant is not present in population databases (gnomAD no frequency). This variant has not been reported in the literature in individuals affected with RYR2-related conditions. Invitae Evidence Modeling of protein sequence and biophysical properties (such as structural, functional, and spatial information, amino acid conservation, physicochemical variation, residue mobility, and thermodynamic stability) indicates that this missense variant is not expected to disrupt RYR2 protein function with a negative predictive value of 95%. In summary, the available evidence is currently insufficient to determine the role of this variant in disease. Therefore, it has been classified as a Variant of Uncertain Significance.

NM_001035.3(RYR2):c.1310G>T (p.Ser437Ile)

Gene: RYR2 (ryanodine receptor 2; plus strand). Cytogenetic location: 1q43.
Variant type: single nucleotide variant.
Coding change: c.1310G>T on transcript NM_001035.3 (MANE Select); coding-DNA position 1310, G replaced by T.
Protein change: p.Ser437Ile; replaces serine 437 with isoleucine.
Molecular consequence: missense variant.
Genome position (GRCh38, 1-based): chr1:237,454,408, G>T. VCF-style: chr1-237454408-G-T. GRCh37 (hg19) VCF-style: chr1-237617708-G-T.
Other names: short protein forms S437I.
Identifiers: ClinVar variation 4696692 (VCV004696692.1).